The following is an entry in ClinVar:

NM_000094.4(COL7A1):c.86-1G>A

Gene: COL7A1 (collagen type VII alpha 1 chain; minus strand). Cytogenetic location: 3p21.31.
Variant type: single nucleotide variant.
Coding change: c.86-1G>A on transcript NM_000094.4 (MANE Select); the canonical splice acceptor site of the intron before coding-DNA position 86, G replaced by A.
Molecular consequence: splice acceptor variant.
Genome position (GRCh38, 1-based): chr3:48,594,549, C>T on the plus strand (G>A on the coding strand, the complement: COL7A1 is on the minus strand). VCF-style: chr3-48594549-C-T. GRCh37 (hg19) VCF-style: chr3-48631982-C-T.
Identifiers: ClinVar variation 1492753 (VCV001492753.8), dbSNP rs2107807874, ClinGen allele CA352750051.

ClinVar aggregate classification (germline): Likely pathogenic (1 of 4 stars; one submission).

Submission:

Labcorp Genetics (formerly Invitae), Labcorp
Classification: Likely pathogenic. Last evaluated: 2023-01-08. Review status: criteria provided, single submitter. Criteria: Invitae Variant Classification Sherloc (09022015). Collection method: clinical testing. Allele origin: germline.
Comment: This sequence change affects an acceptor splice site in intron 1 of the COL7A1 gene. It is expected to disrupt RNA splicing. Variants that disrupt the donor or acceptor splice site typically lead to a loss of protein function (PMID: 16199547), and loss-of-function variants in COL7A1 are known to be pathogenic (PMID: 16971478). This variant is not present in population databases (gnomAD no frequency). This variant has not been reported in the literature in individuals affected with COL7A1-related conditions. ClinVar contains an entry for this variant (Variation ID: 1492753). In summary, the currently available evidence indicates that the variant is pathogenic, but additional data are needed to prove that conclusively. Therefore, this variant has been classified as Likely Pathogenic. Algorithms developed to predict the effect of sequence changes on RNA splicing suggest that this variant may disrupt the consensus splice site.

Literature cited by the submitters: PubMed 16199547; PubMed 16971478.